The following is an entry in ClinVar:

NM_001814.6(CTSC):c.648_649delinsCTGACTG (p.Lys216_Pro217delinsAsnTer)

Gene: CTSC (cathepsin C; minus strand). Cytogenetic location: 11q14.2.
Variant type: Indel.
Coding change: c.648_649delinsCTGACTG on transcript NM_001814.6 (MANE Select); coding-DNA positions 648 to 649, AC replaced by CTGACTG.
Protein change: p.Lys216_Pro217delinsAsnTer.
Molecular consequence: nonsense.
Genome position (GRCh38, 1-based): chr11:88,300,638-88,300,639, GT replaced by CAGTCAG on the plus strand (AC replaced by CTGACTG on the coding strand, the reverse complement: CTSC is on the minus strand). VCF-style: chr11-88300638-GT-CAGTCAG. GRCh37 (hg19) VCF-style: chr11-88033806-GT-CAGTCAG.
Identifiers: ClinVar variation 3747876 (VCV003747876.2).

ClinVar aggregate classification (germline): Pathogenic (1 of 4 stars; one submission).

Conditions:
Periodontitis, aggressive. Identifiers: MedGen C0031106, MONDO:0980757.
Papillon-Lefèvre syndrome (PALS). Also called: KERATOSIS PALMOPLANTARIS WITH PERIODONTOPATHIA; Papillon-Lefevre Disease. Identifiers: Orphanet 678, MedGen C0030360, MONDO:0009490, OMIM 245000.
Haim-Munk syndrome (HMS). Also called: COCHIN JEWISH DISORDER; KERATOSIS PALMOPLANTARIS WITH PERIODONTOPATHIA AND ONYCHOGRYPOSIS. Identifiers: Orphanet 2342, MedGen C1855627, MONDO:0009491, OMIM 245010.

Submission:

Labcorp Genetics (formerly Invitae), Labcorp
Classification: Pathogenic for Haim-Munk syndrome; Periodontitis, aggressive; Papillon-Lefèvre syndrome. Last evaluated: 2022-05-07. Review status: criteria provided, single submitter. Criteria: Invitae Variant Classification Sherloc (09022015). Collection method: clinical testing. Allele origin: germline.
Comment: This sequence change creates a premature translational stop signal (p.Lys216Asnfs*2) in the CTSC gene. It is expected to result in an absent or disrupted protein product. Loss-of-function variants in CTSC are known to be pathogenic (PMID: 10662808, 11106356, 11886537). For these reasons, this variant has been classified as Pathogenic. This variant has not been reported in the literature in individuals affected with CTSC-related conditions. Information on the frequency of this variant in the gnomAD database is not available, as this variant may be reported differently in the database.

Literature cited by the submitters: PubMed 10662808; PubMed 11106356; PubMed 11886537.